The following is an entry in ClinVar:

NM_000059.4(BRCA2):c.7165A>G (p.Arg2389Gly)

Gene: BRCA2 (BRCA2 DNA repair associated; plus strand). Cytogenetic location: 13q13.1.
Variant type: single nucleotide variant.
Coding change: c.7165A>G on transcript NM_000059.4 (MANE Select); coding-DNA position 7165, A replaced by G.
Protein change: p.Arg2389Gly; replaces arginine 2389 with glycine.
Molecular consequence: missense variant.
Genome position (GRCh38, 1-based): chr13:32,355,018, A>G. VCF-style: chr13-32355018-A-G. GRCh37 (hg19) VCF-style: chr13-32929155-A-G.
Other names: short protein forms R2389G.
Identifiers: ClinVar variation 1402977 (VCV001402977.10), dbSNP rs2137556511, ClinGen allele CA387739394.

ClinVar aggregate classification (germline): Uncertain significance. Review status: criteria provided, multiple submitters, no conflicts (2 of 4 stars). 2 submissions from 2 submitters: Uncertain significance (2). Last evaluated 2022-03-18.

Conditions:
Hereditary breast ovarian cancer syndrome. Also called: Hereditary breast and ovarian cancer syndrome; BRCA1- and BRCA2-Associated Hereditary Breast and Ovarian Cancer; Breast and ovarian cancer; Hereditary breast and/or ovarian cancer syndrome; Hereditary breast and ovarian cancer syndrome (HBOC); Hereditary breast and ovarian cancer. Identifiers: Orphanet 145, MedGen C0677776, MeSH D061325, MONDO:0003582. Disease mechanism: loss of function.
Hereditary cancer-predisposing syndrome. Also called: Hereditary neoplastic syndrome; Hereditary Cancer Syndrome; Neoplastic Syndromes, Hereditary; Tumor predisposition. Identifiers: Orphanet 140162, MedGen C0027672, MeSH D009386, MONDO:0015356.

Submissions (2):

Labcorp Genetics (formerly Invitae), Labcorp
Classification: Uncertain significance for Hereditary breast ovarian cancer syndrome. Last evaluated: 2022-03-18. Review status: criteria provided, single submitter. Criteria: Invitae Variant Classification Sherloc (09022015). Collection method: clinical testing. Allele origin: germline.
Comment: This variant has not been reported in the literature in individuals affected with BRCA2-related conditions. This variant is not present in population databases (gnomAD no frequency). This sequence change replaces arginine, which is basic and polar, with glycine, which is neutral and non-polar, at codon 2389 of the BRCA2 protein (p.Arg2389Gly). Advanced modeling of protein sequence and biophysical properties (such as structural, functional, and spatial information, amino acid conservation, physicochemical variation, residue mobility, and thermodynamic stability) performed at Invitae indicates that this missense variant is not expected to disrupt BRCA2 protein function. Algorithms developed to predict the effect of sequence changes on RNA splicing suggest that this variant may create or strengthen a splice site. In summary, the available evidence is currently insufficient to determine the role of this variant in disease. Therefore, it has been classified as a Variant of Uncertain Significance.

Ambry Genetics
Classification: Uncertain significance for Hereditary cancer-predisposing syndrome. Last evaluated: 2020-06-02. Review status: criteria provided, single submitter. Criteria: Ambry Variant Classification Scheme 2023. Collection method: clinical testing. Allele origin: germline.
Comment: The p.R2389G variant (also known as c.7165A>G), located in coding exon 13 of the BRCA2 gene, results from an A to G substitution at nucleotide position 7165. The arginine at codon 2389 is replaced by glycine, an amino acid with dissimilar properties. This amino acid position is not well conserved in available vertebrate species. In addition, the in silico prediction for this alteration is inconclusive. Since supporting evidence is limited at this time, the clinical significance of this alteration remains unclear.

Literature cited by the submitters: PubMed 31451522 (cited by Ambry Genetics).